The following is an entry in ClinVar:

ClinVar aggregate classification (germline): Uncertain significance. Review status: criteria provided, multiple submitters, no conflicts (2 of 4 stars). 2 submissions from 2 submitters: Uncertain significance (2). Last evaluated 2025-06-19.

Conditions:
Autoimmune lymphoproliferative syndrome type 2A (ALPS2A). Also called: CASP10-Related Autoimmune Lymphoproliferative Syndrome; AUTOIMMUNE LYMPHOPROLIFERATIVE SYNDROME, TYPE IIA; Autoimmune lymphoproliferative syndrome type 2. Identifiers: Orphanet 3261, MedGen C1858968, MONDO:0011383, OMIM 603909.

gnomAD v4.1: 16 of 1,613,384 alleles (0.00099%); highest among the groups gnomAD compares: Admixed American, 0.027%; no homozygotes.

Submissions (2):

Ambry Genetics
Classification: Uncertain significance. Last evaluated: 2025-06-19. Review status: criteria provided, single submitter. Criteria: Ambry Variant Classification Scheme 2023. Collection method: clinical testing. Allele origin: germline.

Labcorp Genetics (formerly Invitae), Labcorp
Classification: Uncertain significance for Autoimmune lymphoproliferative syndrome type 2A. Last evaluated: 2025-01-08. Review status: criteria provided, single submitter. Criteria: Invitae Variant Classification Sherloc (09022015). Collection method: clinical testing. Allele origin: germline.
Comment: This sequence change replaces leucine, which is neutral and non-polar, with valine, which is neutral and non-polar, at codon 83 of the CASP10 protein (p.Leu83Val). This variant is present in population databases (rs759913674, gnomAD 0.04%). This variant has not been reported in the literature in individuals affected with CASP10-related conditions. ClinVar contains an entry for this variant (Variation ID: 535759). Invitae Evidence Modeling of protein sequence and biophysical properties (such as structural, functional, and spatial information, amino acid conservation, physicochemical variation, residue mobility, and thermodynamic stability) indicates that this missense variant is expected to disrupt CASP10 protein function with a positive predictive value of 80%. In summary, the available evidence is currently insufficient to determine the role of this variant in disease. Therefore, it has been classified as a Variant of Uncertain Significance.

NM_032977.4(CASP10):c.247C>G (p.Leu83Val)

Gene: CASP10 (caspase 10; plus strand). Cytogenetic location: 2q33.1.
Variant type: single nucleotide variant.
Coding change: c.247C>G on transcript NM_032977.4 (MANE Select); coding-DNA position 247, C replaced by G.
Protein change: p.Leu83Val; replaces leucine 83 with valine.
Molecular consequence: missense variant.
Genome position (GRCh38, 1-based): chr2:201,186,024, C>G. VCF-style: chr2-201186024-C-G. GRCh37 (hg19) VCF-style: chr2-202050747-C-G.
Other names: c.247C>G, p.Leu83Val (NM_001206524.2, NM_001206542.2, NM_001230.5 and 3 more transcripts); short protein forms L83V.
Identifiers: ClinVar variation 535759 (VCV000535759.11), dbSNP rs759913674, ClinGen allele CA2052799.